The following is an entry in ClinVar:

NM_000092.5(COL4A4):c.114+83C>A

Gene: COL4A4 (collagen type IV alpha 4 chain; minus strand). Cytogenetic location: 2q36.3.
Variant type: single nucleotide variant.
Coding change: c.114+83C>A on transcript NM_000092.5 (MANE Select); 83 bases into the intron after coding-DNA position 114, C replaced by A.
Molecular consequence: intron variant.
Genome position (GRCh38, 1-based): chr2:227,144,433, G>T on the plus strand (C>A on the coding strand, the complement: COL4A4 is on the minus strand). VCF-style: chr2-227144433-G-T. GRCh37 (hg19) VCF-style: chr2-228009149-G-T.
Identifiers: ClinVar variation 1198844 (VCV001198844.10), dbSNP rs145246311, ClinGen allele CA66548757.

ClinVar aggregate classification (germline): Likely benign. Review status: criteria provided, multiple submitters, no conflicts (2 of 4 stars). 2 submissions from 2 submitters: Likely benign (2). Last evaluated 2026-09-01.

Allele frequency attached by ClinVar (database versions not stated): gnomAD 0.00349 and 0.00379; 1000 Genomes Project 30x 0.00375; 1000 Genomes Project 0.00399; TOPMed 0.00428.
gnomAD v4.1: 967 of 1,193,602 alleles (0.081%); highest among the groups gnomAD compares: African/African-American, 1.2%; 5 homozygotes.

Submissions (2):

CeGaT Center for Human Genetics Tuebingen
Classification: Likely benign. Last evaluated: 2026-09-01. Review status: criteria provided, single submitter. Criteria: CeGaT Center For Human Genetics Tuebingen Variant Classification Criteria Version 2. Collection method: clinical testing. Allele origin: germline. Affected: yes. Observed: 2 variant alleles.
Comment: COL4A4: BS1

GeneDx
Classification: Likely benign. Last evaluated: 2019-05-29. Review status: criteria provided, single submitter. Criteria: GeneDx Variant Classification Process June 2021. Collection method: clinical testing. Allele origin: germline. Affected: yes.